The following is an entry in ClinVar:

ClinVar aggregate classification (germline): other (0 of 4 stars; one submission).

Conditions:
Familial colorectal cancer. Identifiers: MedGen CN280943, MONDO:0023113. Disease mechanism: loss of function.

Submission:

Systems Biology Platform Zhejiang California International NanoSystems Institute
Classification: other for Familial colorectal cancer. Review status: no assertion criteria provided. Collection method: not provided. Allele origin: unknown.
ClinVar note: Converted during submission from cancer to other.

NM_000038.6(APC):c.-18-250C>G

Gene: APC (APC regulator of WNT signaling pathway; plus strand). Cytogenetic location: 5q22.2.
Variant type: single nucleotide variant.
Coding change: c.-18-250C>G on transcript NM_000038.6 (MANE Select); 250 bases into the intron before 18 bases upstream of the start codon, C replaced by G.
Molecular consequence: intron variant.
Genome position (GRCh38, 1-based): chr5:112,754,623, C>G. VCF-style: chr5-112754623-C-G. GRCh37 (hg19) VCF-style: chr5-112090320-C-G.
Other names: c.-18-250C>G (NM_001354895.2, NM_001127510.3, NM_001354896.2 and 2 more transcripts); c.166-11703C>G (NM_001354897.2, NM_001354902.2, NM_001127511.3); c.61-11703C>G (NM_001354898.2, NM_001354904.2); c.-1053-250C>G (NM_001354906.2); c.-42-11703C>G (NM_001354900.2, NM_001354901.2, NM_001354905.2).
Identifiers: ClinVar variation 82817 (VCV000082817.2), dbSNP rs78810609, ClinGen allele CA006047.